The following is an entry in ClinVar:

ClinVar aggregate classification (germline): Conflicting classifications of pathogenicity. Review status: criteria provided, conflicting classifications (1 of 4 stars). 5 submissions from 5 submitters: Uncertain significance (2); Likely benign (3). Last evaluated 2026-01-31.

Conditions:
Peroxisome biogenesis disorder 7A (Zellweger). Also called: Peroxisome biogenesis disorder 7A. Identifiers: Orphanet 912, MedGen C3888385, MONDO:0013938, OMIM 614872.
Peroxisome biogenesis disorder 7B (PBD7B). Identifiers: Orphanet 44, MedGen C3553951, MONDO:0013939, OMIM 614873.

Allele frequency attached by ClinVar (database versions not stated): 1000 Genomes Project 0.00020; ExAC 0.00023; gnomAD 0.00026 and 0.00028; 1000 Genomes Project 30x 0.00031; TOPMed 0.00033; ESP Exome Variant Server 0.00008; gnomAD exomes 0.00018.
gnomAD v4.1: 855 of 1,600,096 alleles (0.053%); highest among the groups gnomAD compares: Non-Finnish European, 0.069%; no homozygotes.

Submissions (5):

Labcorp Genetics (formerly Invitae), Labcorp
Classification: Likely benign for Peroxisome biogenesis disorder 7A (Zellweger); Peroxisome biogenesis disorder 7B. Last evaluated: 2026-01-31. Review status: criteria provided, single submitter. Criteria: Invitae Variant Classification Sherloc (09022015). Collection method: clinical testing. Allele origin: germline.

Blueprint Genetics
Classification: Likely benign. Last evaluated: 2024-10-18. Review status: criteria provided, single submitter. Criteria: ACMG Guidelines, 2015. Collection method: clinical testing. Allele origin: germline.

Mayo Clinic Laboratories, Mayo Clinic
Classification: Likely benign. Last evaluated: 2024-10-15. Review status: criteria provided, single submitter. Criteria: ACMG Guidelines, 2015. Collection method: clinical testing. Allele origin: germline. Observed: 1 variant allele.
Comment: BP4, BP7

Illumina Laboratory Services, Illumina
Classification: Uncertain significance for Peroxisome biogenesis disorder 7A (Zellweger). Last evaluated: 2018-01-13. Review status: criteria provided, single submitter. Criteria: ICSL Variant Classification Criteria 13 December 2019. Collection method: clinical testing. Allele origin: germline.

Eurofins Ntd Llc (ga)
Classification: Uncertain significance. Last evaluated: 2017-01-27. Review status: criteria provided, single submitter. Criteria: EGL Classification Definitions 2015. Collection method: clinical testing. Allele origin: germline. Observed: 1 variant allele, 1 heterozygote.

NM_001127649.3(PEX26):c.207C>T (p.Ala69=)

Gene: PEX26 (peroxisomal biogenesis factor 26; plus strand). Cytogenetic location: 22q11.21.
Variant type: single nucleotide variant.
Coding change: c.207C>T on transcript NM_001127649.3 (MANE Select); coding-DNA position 207, C replaced by T.
Protein change: p.Ala69=; no amino-acid change (alanine 69 retained).
Molecular consequence: synonymous variant.
Genome position (GRCh38, 1-based): chr22:18,078,583, C>T. VCF-style: chr22-18078583-C-T. GRCh37 (hg19) VCF-style: chr22-18561349-C-T.
Other names: p.Ala69=; c.207C>T, p.Ala69= (NM_001199319.2, NM_017929.6).
Identifiers: ClinVar variation 340751 (VCV000340751.21), dbSNP rs375516973, ClinGen allele CA10093245.